The following is an entry in ClinVar:

NM_018367.7(ACER3):c.148G>A (p.Gly50Ser)

Gene: ACER3 (alkaline ceramidase 3; plus strand). Cytogenetic location: 11q13.5.
Variant type: single nucleotide variant.
Coding change: c.148G>A on transcript NM_018367.7 (MANE Select); coding-DNA position 148, G replaced by A.
Protein change: p.Gly50Ser; replaces glycine 50 with serine.
Molecular consequence: missense variant. On other transcripts: 5 prime UTR variant (2), intron variant (1).
Genome position (GRCh38, 1-based): chr11:76,926,601, G>A. VCF-style: chr11-76926601-G-A. GRCh37 (hg19) VCF-style: chr11-76637645-G-A.
Other names: c.-209G>A (NM_001300954.2); c.-85G>A (NM_001300955.2); c.104-32378G>A (NM_001300953.2); short protein forms G50S.
Identifiers: ClinVar variation 2970610 (VCV002970610.3), dbSNP rs372314534, ClinGen allele CA6195569.
Genomic context (GRCh38, chr11:76,926,601, plus strand): 5'-TATTTTTCTCTTAAAGGGAATACAGTGAGTAACCTGATCATGATTATACCTCCAATGTTC[G>A]GTGCAGTTCAGAGTGTTAGAGACGGTCTGGAAAAGCGGTACATTGCTTCTTATTTAGCAC-3'
Protein context (NP_060837.3, residues 40-60): NLIMIIPPMF[Gly50Ser]AVQSVRDGLE

ClinVar aggregate classification (germline): Uncertain significance (1 of 4 stars; one submission).

Allele frequency attached by ClinVar (database versions not stated): TOPMed 0.00003.
gnomAD v4.1: 21 of 1,609,152 alleles (0.0013%); highest among the groups gnomAD compares: East Asian, 0.029%; no homozygotes.

Submission:

Labcorp Genetics (formerly Invitae), Labcorp
Classification: Uncertain significance. Last evaluated: 2023-12-30. Review status: criteria provided, single submitter. Criteria: Invitae Variant Classification Sherloc (09022015). Collection method: clinical testing. Allele origin: germline.
Comment: This sequence change replaces glycine, which is neutral and non-polar, with serine, which is neutral and polar, at codon 50 of the ACER3 protein (p.Gly50Ser). This variant is present in population databases (rs372314534, gnomAD 0.02%). This variant has not been reported in the literature in individuals affected with ACER3-related conditions. Advanced modeling of protein sequence and biophysical properties (such as structural, functional, and spatial information, amino acid conservation, physicochemical variation, residue mobility, and thermodynamic stability) performed at Invitae indicates that this missense variant is not expected to disrupt ACER3 protein function with a negative predictive value of 80%. In summary, the available evidence is currently insufficient to determine the role of this variant in disease. Therefore, it has been classified as a Variant of Uncertain Significance.